The following is an entry in ClinVar:

NM_177438.3(DICER1):c.2456A>T (p.Tyr819Phe)

Gene: DICER1 (dicer 1, ribonuclease III; minus strand). Cytogenetic location: 14q32.13.
Variant type: single nucleotide variant.
Coding change: c.2456A>T on transcript NM_177438.3 (MANE Select); coding-DNA position 2456, A replaced by T.
Protein change: p.Tyr819Phe; replaces tyrosine 819 with phenylalanine.
Molecular consequence: missense variant.
Genome position (GRCh38, 1-based): chr14:95,108,074, T>A on the plus strand (A>T on the coding strand, the complement: DICER1 is on the minus strand). VCF-style: chr14-95108074-T-A. GRCh37 (hg19) VCF-style: chr14-95574411-T-A.
Other names: c.2456A>T, p.Tyr819Phe (NM_001195573.1, NM_001271282.3, NM_001291628.2 and 1 more transcripts); short protein forms Y819F.
Identifiers: ClinVar variation 1354204 (VCV001354204.12), dbSNP rs1891612740, ClinGen allele CA390881992.
Genomic context (GRCh38, chr14:95,108,074, plus strand): 5'-GACAACATGAAACCAGACTTCTTCAACTCAATGGATATGGTAACCTCTCCAGAGCGTGTG[T>A]ACACAGGAAAGTGTGGAATCTTAGCAAAAGGAAATGTAAAGCACCCCTCAAAATTAACAG-3'
Protein context (NP_803187.1, residues 809-829): PIPQIPHFPV[Tyr819Phe]TRSGEVTISI

ClinVar aggregate classification (germline): Uncertain significance. Review status: criteria provided, multiple submitters, no conflicts (2 of 4 stars). 2 submissions from 2 submitters: Uncertain significance (2). Last evaluated 2025-04-11.

Conditions:
DICER1-related tumor predisposition. Also called: DICER1 syndrome; DICER1-related pleuropulmonary blastoma cancer predisposition syndrome. Identifiers: Orphanet 284343, MedGen C3839822, MONDO:0100216.
Hereditary cancer-predisposing syndrome. Also called: Hereditary Cancer Syndrome; Hereditary neoplastic syndrome; Tumor predisposition; Neoplastic Syndromes, Hereditary. Identifiers: Orphanet 140162, MedGen C0027672, MeSH D009386, MONDO:0015356.

Submissions (2):

Ambry Genetics
Classification: Uncertain significance for Hereditary cancer-predisposing syndrome. Last evaluated: 2025-04-11. Review status: criteria provided, single submitter. Criteria: Ambry Variant Classification Scheme 2023. Collection method: clinical testing. Allele origin: germline.
Comment: The p.Y819F variant (also known as c.2456A>T), located in coding exon 15 of the DICER1 gene, results from an A to T substitution at nucleotide position 2456. The tyrosine at codon 819 is replaced by phenylalanine, an amino acid with highly similar properties. This amino acid position is conserved. In addition, the in silico prediction for this alteration is inconclusive. Since supporting evidence is limited at this time, the clinical significance of this alteration remains unclear.

Labcorp Genetics (formerly Invitae), Labcorp
Classification: Uncertain significance for DICER1-related tumor predisposition. Last evaluated: 2022-08-09. Review status: criteria provided, single submitter. Criteria: Invitae Variant Classification Sherloc (09022015). Collection method: clinical testing. Allele origin: germline.
Comment: This variant has not been reported in the literature in individuals affected with DICER1-related conditions. ClinVar contains an entry for this variant (Variation ID: 1354204). This variant is not present in population databases (gnomAD no frequency). This sequence change replaces tyrosine, which is neutral and polar, with phenylalanine, which is neutral and non-polar, at codon 819 of the DICER1 protein (p.Tyr819Phe). Algorithms developed to predict the effect of missense changes on protein structure and function (SIFT, PolyPhen-2, Align-GVGD) all suggest that this variant is likely to be tolerated. In summary, the available evidence is currently insufficient to determine the role of this variant in disease. Therefore, it has been classified as a Variant of Uncertain Significance.